The following is an entry in ClinVar:

ClinVar aggregate classification (germline): Uncertain significance (1 of 4 stars; one submission).

Conditions:
Agammaglobulinemia 4, autosomal recessive (AGM4). Also called: AGAMMAGLOBULINEMIA, AUTOSOMAL RECESSIVE, DUE TO BLNK DEFECT; B cell linker protein deficiency. Identifiers: MedGen C3150752, MONDO:0013289, OMIM 613502.

Submission:

Labcorp Genetics (formerly Invitae), Labcorp
Classification: Uncertain significance for Agammaglobulinemia 4, autosomal recessive. Last evaluated: 2021-06-06. Review status: criteria provided, single submitter. Criteria: Invitae Variant Classification Sherloc (09022015). Collection method: clinical testing. Allele origin: germline.
Comment: This sequence change replaces valine with alanine at codon 101 of the BLNK protein (p.Val101Ala). The valine residue is weakly conserved and there is a small physicochemical difference between valine and alanine. This variant is not present in population databases (ExAC no frequency). This variant has not been reported in the literature in individuals with BLNK-related conditions. Algorithms developed to predict the effect of missense changes on protein structure and function output the following: SIFT: "Tolerated"; PolyPhen-2: "Benign"; Align-GVGD: "Class C0". The alanine amino acid residue is found in multiple mammalian species, suggesting that this missense change does not adversely affect protein function. These predictions have not been confirmed by published functional studies and their clinical significance is uncertain. In summary, the available evidence is currently insufficient to determine the role of this variant in disease. Therefore, it has been classified as a Variant of Uncertain Significance.

NM_013314.4(BLNK):c.302T>C (p.Val101Ala)

Gene: BLNK (B cell linker; minus strand). Cytogenetic location: 10q24.1.
Variant type: single nucleotide variant.
Coding change: c.302T>C on transcript NM_013314.4 (MANE Select); coding-DNA position 302, T replaced by C.
Protein change: p.Val101Ala; replaces valine 101 with alanine.
Molecular consequence: missense variant. On other transcripts: non-coding transcript variant (4).
Genome position (GRCh38, 1-based): chr10:96,227,469, A>G on the plus strand (T>C on the coding strand, the complement: BLNK is on the minus strand). VCF-style: chr10-96227469-A-G. GRCh37 (hg19) VCF-style: chr10-97987225-A-G.
Other names: c.302T>C, p.Val101Ala (NM_001114094.2, NM_001258440.2, NM_001258441.2 and 1 more transcripts); short protein forms V101A.
Identifiers: ClinVar variation 1359617 (VCV001359617.8), dbSNP rs2134031807, ClinGen allele CA377725463.